The following is an entry in ClinVar:

NM_001289125.3(IFNAR2):c.550G>A (p.Glu184Lys)

Genes: IFNAR2 (interferon alpha and beta receptor subunit 2; plus strand), IFNAR2-IL10RB (IFNAR2-IL10RB readthrough; plus strand). Cytogenetic location: 21q22.11.
Variant type: single nucleotide variant.
Coding change: c.550G>A on transcript NM_001289125.3 (MANE Select); coding-DNA position 550, G replaced by A.
Protein change: p.Glu184Lys; replaces glutamic acid 184 with lysine.
Molecular consequence: missense variant.
Genome position (GRCh38, 1-based): chr21:33,252,671, G>A. VCF-style: chr21-33252671-G-A. GRCh37 (hg19) VCF-style: chr21-34624976-G-A.
Other names: c.550G>A, p.Glu184Lys (NM_000874.5, NM_001289126.2, NM_001289128.2 and 4 more transcripts); short protein forms E184K.
Identifiers: ClinVar variation 1486987 (VCV001486987.4), dbSNP rs147789575, ClinGen allele CA10005704.

ClinVar aggregate classification (germline): Uncertain significance. Review status: criteria provided, multiple submitters, no conflicts (2 of 4 stars). 2 submissions from 2 submitters: Uncertain significance (2). Last evaluated 2022-10-24.

Allele frequency attached by ClinVar (database versions not stated): ExAC 0.00016; 1000 Genomes Project 0.00020; gnomAD 0.00021; gnomAD exomes 0.00029; 1000 Genomes Project 30x 0.00031; ESP Exome Variant Server 0.00031; TOPMed 0.00031.
gnomAD v4.1: 270 of 1,612,980 alleles (0.017%); highest among the groups gnomAD compares: Middle Eastern, 0.2%; no homozygotes.

Submissions (2):

Labcorp Genetics (formerly Invitae), Labcorp
Classification: Uncertain significance. Last evaluated: 2022-10-24. Review status: criteria provided, single submitter. Criteria: Invitae Variant Classification Sherloc (09022015). Collection method: clinical testing. Allele origin: germline.
Comment: This sequence change replaces glutamic acid, which is acidic and polar, with lysine, which is basic and polar, at codon 184 of the IFNAR2 protein (p.Glu184Lys). This variant is present in population databases (rs147789575, gnomAD 0.1%). This variant has not been reported in the literature in individuals affected with IFNAR2-related conditions. ClinVar contains an entry for this variant (Variation ID: 1486987). Algorithms developed to predict the effect of missense changes on protein structure and function output the following: SIFT: "Tolerated"; PolyPhen-2: "Benign"; Align-GVGD: "Class C0". The lysine amino acid residue is found in multiple mammalian species, which suggests that this missense change does not adversely affect protein function. Algorithms developed to predict the effect of sequence changes on RNA splicing suggest that this variant may disrupt the consensus splice site. In summary, the available evidence is currently insufficient to determine the role of this variant in disease. Therefore, it has been classified as a Variant of Uncertain Significance.

Breakthrough Genomics
Classification: Uncertain significance. Review status: criteria provided, single submitter. Criteria: ACMG Guidelines, 2015. Collection method: not provided. Allele origin: germline. Inheritance: Autosomal dominant inheritance. Affected: yes.